The following is an entry in ClinVar:

ClinVar aggregate classification (germline): Pathogenic. Review status: criteria provided, single submitter (1 of 4 stars). 2 submissions from 2 submitters: Pathogenic (1). 1 of the submissions does not count toward it. Last evaluated 2024-05-20.

Conditions:
Retinoblastoma (RB1). Also called: RETINOBLASTOMA, SOMATIC. Identifiers: Orphanet 790, MedGen C0035335, MeSH D012175, MONDO:0008380, OMIM 180200, HP:0009919. Disease mechanism: loss of function. Inheritance: Both sporadic and heritable forms are tested..

Submissions (2):

Genetic Diagnostic Laboratory, University of Pennsylvania School of Medicine
Classification: Pathogenic for Retinoblastoma. Last evaluated: 2024-05-20. Review status: criteria provided, single submitter. Criteria: ACMG Guidelines, 2015. Collection method: clinical testing. Allele origin: germline. Affected: yes. Observed: 1 variant allele.
Comment: Case and Pedigree Information: BILATERAL CASES:1, UNILATERAL CASES:0, TOTAL CASES:1, PEDIGREES:1. ACMG Codes Applied:PVS1, PM2

Unidad de Genómica Garrahan, Hospital de Pediatría Garrahan
Classification: Pathogenic for Retinoblastoma. Last evaluated: 2020-03-04. Review status: no assertion criteria provided. Collection method: clinical testing. Allele origin: germline. Affected: yes. Not counted in ClinVar's aggregate classification.

NM_000321.3(RB1):c.1215+2T>C

Gene: RB1 (RB transcriptional corepressor 1; plus strand). Cytogenetic location: 13q14.2.
Variant type: single nucleotide variant.
Coding change: c.1215+2T>C on transcript NM_000321.3 (MANE Select); the canonical splice donor site of the intron after coding-DNA position 1215, T replaced by C.
Molecular consequence: splice donor variant.
Genome position (GRCh38, 1-based): chr13:48,373,494, T>C. VCF-style: chr13-48373494-T-C. GRCh37 (hg19) VCF-style: chr13-48947630-T-C.
Other names: c.1215+2T>C (NM_001407165.1, NM_001407166.1).
Identifiers: ClinVar variation 978457 (VCV000978457.3), dbSNP rs1060503074, ClinGen allele CA388161723.